The following is an entry in ClinVar:

ClinVar aggregate classification (germline): Uncertain significance (1 of 4 stars; one submission).

Conditions:
HTR2C-related disorder. Also called: HTR2C-related condition.

gnomAD v4.1: 5 of 1,208,213 alleles (0.00041%); highest among the groups gnomAD compares: Non-Finnish European, 0.00056%; no homozygotes.

Submission:

PreventionGenetics, part of Exact Sciences
Classification: Uncertain significance for HTR2C-related condition. Last evaluated: 2025-10-01. Review status: criteria provided, single submitter. Criteria: ACMG Guidelines, 2015. Collection method: clinical testing. Allele origin: germline.
Comment: The HTR2C c.598G>T variant is predicted to result in the amino acid substitution p.Val200Leu. To our knowledge, this variant has not been reported in the literature. This variant is reported in 0.0022% of alleles in individuals of European (Non-Finnish) descent in gnomAD. At this time, the clinical significance of this variant is uncertain due to the absence of conclusive functional and genetic evidence.

NM_000868.4(HTR2C):c.598G>T (p.Val200Leu)

Genes: HTR2C (5-hydroxytryptamine receptor 2C; plus strand), LOC126863306 (MED14-independent group 3 enhancer GRCh37_chrX:114140926-114142125; plus strand). Cytogenetic location: Xq23.
Variant type: single nucleotide variant.
Coding change: c.598G>T on transcript NM_000868.4 (MANE Select); coding-DNA position 598, G replaced by T.
Protein change: p.Val200Leu; replaces valine 200 with leucine.
Molecular consequence: missense variant.
Genome position (GRCh38, 1-based): chrX:114,906,636, G>T. VCF-style: chrX-114906636-G-T. GRCh37 (hg19) VCF-style: chrX-114141199-G-T.
Other names: c.598G>T, p.Val200Leu (NM_001256760.3); c.503G>T, p.Gly168Val (NM_001256761.3); short protein forms V200L, G168V.
Identifiers: ClinVar variation 4989564 (VCV004989564.1).